The following is an entry in ClinVar:

ClinVar aggregate classification (germline): Likely benign. Review status: reviewed by expert panel (3 of 4 stars). 2 submissions from 2 submitters: Likely benign (1). 1 of the submissions does not count toward it. Last evaluated 2025-07-14.

Conditions:
Inborn genetic diseases. Identifiers: MedGen C0950123, MeSH D030342.
Hereditary thrombocytopenia and hematologic cancer predisposition syndrome. Identifiers: Orphanet 71290, MedGen CN281654, MONDO:0011071.

gnomAD v4.1: 5 of 1,613,618 alleles (0.00031%); highest among the groups gnomAD compares: Non-Finnish European, 0.00042%; no homozygotes.

Submissions (2):

ClinGen Myeloid Malignancy Variant Curation Expert Panel
Classification: Likely benign for Hereditary thrombocytopenia and hematologic cancer predisposition syndrome. Last evaluated: 2025-07-14. Review status: reviewed by expert panel. Criteria: ClinGen MyeloMalig ACMG Specifications v2. Collection method: curation. Allele origin: germline. Inheritance: Autosomal dominant inheritance.
Comment: NM_001754.5(RUNX1):c.309T>C (p.Pro103=) is a synonymous variant which has a SpliceAI score ≤ 0.20 (0.01) (BP4). This variant has a SpliceAI score ≤ 0.20 (0.01) and evolutionary conservation prediction algorithms predict the site as not being conserved (PhyloP score ≤ 2.0 (0.64) (BP7). This variant is completely absent from all population databases with at least 20x coverage for RUNX1 (PM2_Supporting). In summary, this variant meets criteria to be classified as likely benign. ACMG/AMP criteria applied, as specified by the Myeloid Malignancy Variant Curation Expert Panel for RUNX1: BP4, BP7, PM2_supporting.

Ambry Genetics
Classification: Likely benign for Inborn genetic diseases. Last evaluated: 2025-02-02. Review status: criteria provided, single submitter. Criteria: Ambry Variant Classification Scheme 2023. Collection method: clinical testing. Allele origin: germline. Not counted in ClinVar's aggregate classification.

NM_001754.5(RUNX1):c.309T>C (p.Pro103=)

Gene: RUNX1 (RUNX family transcription factor 1; minus strand). Cytogenetic location: 21q22.12.
Variant type: single nucleotide variant.
Coding change: c.309T>C on transcript NM_001754.5 (MANE Select); coding-DNA position 309, T replaced by C.
Protein change: p.Pro103=; no amino-acid change (proline 103 retained).
Molecular consequence: synonymous variant.
Genome position (GRCh38, 1-based): chr21:34,886,885, A>G on the plus strand (T>C on the coding strand, the complement: RUNX1 is on the minus strand). VCF-style: chr21-34886885-A-G. GRCh37 (hg19) VCF-style: chr21-36259182-A-G.
Other names: NM_001754.5(RUNX1):c.309T>C; p.Pro103=; c.228T>C, p.Pro76= (NM_001001890.3, NM_001122607.2).
Identifiers: ClinVar variation 3791494 (VCV003791494.1).